The following is an entry in ClinVar:

ClinVar aggregate classification (germline): Uncertain significance. Review status: criteria provided, multiple submitters, no conflicts (2 of 4 stars). 2 submissions from 2 submitters: Uncertain significance (2). Last evaluated 2025-01-24.

Conditions:
Inborn genetic diseases. Identifiers: MedGen C0950123, MeSH D030342.

gnomAD v4.1: 12 of 1,600,140 alleles (0.00075%); highest among the groups gnomAD compares: African/African-American, 0.0013%; no homozygotes.

Submissions (2):

Ambry Genetics
Classification: Uncertain significance for Inborn genetic diseases. Last evaluated: 2025-01-24. Review status: criteria provided, single submitter. Criteria: Ambry Variant Classification Scheme 2023. Collection method: clinical testing. Allele origin: germline.

Labcorp Genetics (formerly Invitae), Labcorp
Classification: Uncertain significance. Last evaluated: 2022-02-11. Review status: criteria provided, single submitter. Criteria: Invitae Variant Classification Sherloc (09022015). Collection method: clinical testing. Allele origin: germline.
Comment: This sequence change replaces valine, which is neutral and non-polar, with methionine, which is neutral and non-polar, at codon 964 of the GUCY2C protein (p.Val964Met). This variant is not present in population databases (gnomAD no frequency). This variant has not been reported in the literature in individuals affected with GUCY2C-related conditions. Algorithms developed to predict the effect of missense changes on protein structure and function output the following: SIFT: "Tolerated"; PolyPhen-2: "Possibly Damaging"; Align-GVGD: "Class C0". The methionine amino acid residue is found in multiple mammalian species, which suggests that this missense change does not adversely affect protein function. In summary, the available evidence is currently insufficient to determine the role of this variant in disease. Therefore, it has been classified as a Variant of Uncertain Significance.

NM_004963.4(GUCY2C):c.2890G>A (p.Val964Met)

Genes: GUCY2C (guanylate cyclase 2C; minus strand), PLBD1-AS1 (PLBD1 antisense RNA 1; plus strand). Cytogenetic location: 12p12.3.
Variant type: single nucleotide variant.
Coding change: c.2890G>A on transcript NM_004963.4 (MANE Select); coding-DNA position 2890, G replaced by A.
Protein change: p.Val964Met; replaces valine 964 with methionine.
Molecular consequence: missense variant.
Genome position (GRCh38, 1-based): chr12:14,616,713, C>T on the plus strand (G>A on the coding strand, the complement: GUCY2C is on the minus strand). VCF-style: chr12-14616713-C-T. GRCh37 (hg19) VCF-style: chr12-14769647-C-T.
Other names: c.2890G>A (NM_004963.3); short protein forms V964M.
Identifiers: ClinVar variation 1397567 (VCV001397567.7), dbSNP rs1382390012, ClinGen allele CA383991497.